The following is an entry in ClinVar:

NM_194277.3(FRMD7):c.269G>A (p.Arg90Gln)

Gene: FRMD7 (FERM domain containing 7; minus strand). Cytogenetic location: Xq26.2.
Variant type: single nucleotide variant.
Coding change: c.269G>A on transcript NM_194277.3 (MANE Select); coding-DNA position 269, G replaced by A.
Protein change: p.Arg90Gln; replaces arginine 90 with glutamine.
Molecular consequence: missense variant.
Genome position (GRCh38, 1-based): chrX:132,097,281, C>T on the plus strand (G>A on the coding strand, the complement: FRMD7 is on the minus strand). VCF-style: chrX-132097281-C-T. GRCh37 (hg19) VCF-style: chrX-131231309-C-T.
Other names: c.224G>A, p.Arg75Gln (NM_001306193.2); short protein forms R75Q, R90Q.
Identifiers: ClinVar variation 1168311 (VCV001168311.35), dbSNP rs747452860, ClinGen allele CA10519093.

ClinVar aggregate classification (germline): Benign/Likely benign. Review status: criteria provided, multiple submitters, no conflicts (2 of 4 stars). 3 submissions from 3 submitters: Benign (1); Likely benign (2). Last evaluated 2025-10-27.

Allele frequency attached by ClinVar (database versions not stated): ExAC 0.00002; gnomAD 0.00003; gnomAD exomes 0.00003 and 0.00004; TOPMed 0.00003.
gnomAD v4.1: 64 of 1,184,658 alleles (0.0054%); highest among the groups gnomAD compares: Middle Eastern, 0.093%; 1 homozygote.

Submissions (3):

Labcorp Genetics (formerly Invitae), Labcorp
Classification: Benign. Last evaluated: 2025-10-27. Review status: criteria provided, single submitter. Criteria: Invitae Variant Classification Sherloc (09022015). Collection method: clinical testing. Allele origin: germline.

Blueprint Genetics
Classification: Likely benign. Last evaluated: 2024-09-17. Review status: criteria provided, single submitter. Criteria: ACMG Guidelines, 2015. Collection method: clinical testing. Allele origin: germline.

CeGaT Center for Human Genetics Tuebingen
Classification: Likely benign. Last evaluated: 2023-03-01. Review status: criteria provided, single submitter. Criteria: CeGaT Center For Human Genetics Tuebingen Variant Classification Criteria Version 2. Collection method: clinical testing. Allele origin: germline. Affected: yes. Observed: 1 variant allele.
Comment: FRMD7: BP4, BS2